The following is an entry in ClinVar:

NM_181458.4(PAX3):c.196G>A (p.Gly66Ser)

Gene: PAX3 (paired box 3; minus strand). Cytogenetic location: 2q36.1.
Variant type: single nucleotide variant.
Coding change: c.196G>A on transcript NM_181458.4 (MANE Select); coding-DNA position 196, G replaced by A.
Protein change: p.Gly66Ser; replaces glycine 66 with serine.
Molecular consequence: missense variant.
Genome position (GRCh38, 1-based): chr2:222,297,103, C>T on the plus strand (G>A on the coding strand, the complement: PAX3 is on the minus strand). VCF-style: chr2-222297103-C-T. GRCh37 (hg19) VCF-style: chr2-223161822-C-T.
Other names: c.196G>A, p.Gly66Ser (NM_181460.4, NM_181461.4, NM_181459.4 and 4 more transcripts); short protein forms G66S.
Identifiers: ClinVar variation 3764339 (VCV003764339.2).

ClinVar aggregate classification (germline): Uncertain significance (1 of 4 stars; one submission).

gnomAD v4.1: 1 of 1,613,884 alleles (0.000062%); highest among the groups gnomAD compares: Admixed American, 0.0017%; no homozygotes.

Submission:

GeneDx
Classification: Uncertain significance. Last evaluated: 2025-09-04. Review status: criteria provided, single submitter. Criteria: GeneDx Variant Classification Process June 2021. Collection method: clinical testing. Allele origin: germline.
Comment: Not observed at significant frequency in large population cohorts (gnomAD); In silico analysis supports that this missense variant has a deleterious effect on protein structure/function; Has not been previously published as pathogenic or benign to our knowledge